The following is an entry in ClinVar:

ClinVar aggregate classification (germline): Uncertain significance (1 of 4 stars; one submission).

Conditions:
Congenital myasthenic syndrome 15. Also called: Myasthenic syndrome, congenital, 15, without tubular aggregates. Identifiers: Orphanet 353327, Orphanet 590, MedGen C4015596, MONDO:0014542, OMIM 616227.

Allele frequency attached by ClinVar (database versions not stated): gnomAD exomes below 0.00001; TOPMed below 0.00001; gnomAD 0.00001; ExAC 0.00002.
gnomAD v4.1: 8 of 1,614,020 alleles (0.0005%); highest among the groups gnomAD compares: South Asian, 0.0022%; no homozygotes.

Submission:

Labcorp Genetics (formerly Invitae), Labcorp
Classification: Uncertain significance for Congenital myasthenic syndrome 15. Last evaluated: 2022-04-17. Review status: criteria provided, single submitter. Criteria: Invitae Variant Classification Sherloc (09022015). Collection method: clinical testing. Allele origin: germline.
Comment: In summary, the available evidence is currently insufficient to determine the role of this variant in disease. Therefore, it has been classified as a Variant of Uncertain Significance. Algorithms developed to predict the effect of missense changes on protein structure and function are either unavailable or do not agree on the potential impact of this missense change (SIFT: "Tolerated"; PolyPhen-2: "Possibly Damaging"; Align-GVGD: "Class C0"). This variant has not been reported in the literature in individuals affected with ALG14-related conditions. This variant is present in population databases (rs746270285, gnomAD 0.003%). This sequence change replaces isoleucine, which is neutral and non-polar, with valine, which is neutral and non-polar, at codon 105 of the ALG14 protein (p.Ile105Val).

NM_144988.4(ALG14):c.313A>G (p.Ile105Val)

Gene: ALG14 (ALG14 UDP-N-acetylglucosaminyltransferase subunit; minus strand). Cytogenetic location: 1p21.3.
Variant type: single nucleotide variant.
Coding change: c.313A>G on transcript NM_144988.4 (MANE Select); coding-DNA position 313, A replaced by G.
Protein change: p.Ile105Val; replaces isoleucine 105 with valine.
Molecular consequence: missense variant. On other transcripts: non-coding transcript variant (1).
Genome position (GRCh38, 1-based): chr1:95,027,236, T>C on the plus strand (A>G on the coding strand, the complement: ALG14 is on the minus strand). VCF-style: chr1-95027236-T-C. GRCh37 (hg19) VCF-style: chr1-95492792-T-C.
Other names: c.350A>G, p.Asn117Ser (NM_001305242.2); short protein forms I105V, N117S.
Identifiers: ClinVar variation 1949346 (VCV001949346.5), dbSNP rs746270285, ClinGen allele CA961815.